The following is an entry in ClinVar:

ClinVar aggregate classification (germline): Likely benign (0 of 4 stars; one submission).

Conditions:
NFS1-related disorder. Also called: NFS1-related condition.

Allele frequency attached by ClinVar (database versions not stated): TOPMed 0.00002.
gnomAD v4.1: 6 of 1,614,010 alleles (0.00037%); highest among the groups gnomAD compares: Middle Eastern, 0.033%; no homozygotes.

Submission:

PreventionGenetics, part of Exact Sciences
Classification: Likely benign for NFS1-related condition. Last evaluated: 2019-02-20. Review status: no assertion criteria provided. Collection method: clinical testing. Allele origin: germline.
Comment: This variant is classified as likely benign based on ACMG/AMP sequence variant interpretation guidelines (Richards et al. 2015 PMID: 25741868, with internal and published modifications).

NM_021100.5(NFS1):c.282T>A (p.Ala94=)

Gene: NFS1 (NFS1 cysteine desulfurase; minus strand). Cytogenetic location: 20q11.22.
Variant type: single nucleotide variant.
Coding change: c.282T>A on transcript NM_021100.5 (MANE Select); coding-DNA position 282, T replaced by A.
Protein change: p.Ala94=; no amino-acid change (alanine 94 retained).
Molecular consequence: synonymous variant. On other transcripts: non-coding transcript variant (1).
Genome position (GRCh38, 1-based): chr20:35,697,726, A>T on the plus strand (T>A on the coding strand, the complement: NFS1 is on the minus strand). VCF-style: chr20-35697726-A-T. GRCh37 (hg19) VCF-style: chr20-34285648-A-T.
Other names: c.282T>A, p.Ala94= (NM_001198989.2).
Identifiers: ClinVar variation 3047048 (VCV003047048.2), dbSNP rs200222488, ClinGen allele CA314152738.